The following is an entry in ClinVar:

NM_015338.6(ASXL1):c.664G>A (p.Glu222Lys)

Gene: ASXL1 (ASXL transcriptional regulator 1; plus strand). Cytogenetic location: 20q11.21.
Variant type: single nucleotide variant.
Coding change: c.664G>A on transcript NM_015338.6 (MANE Select); coding-DNA position 664, G replaced by A.
Protein change: p.Glu222Lys; replaces glutamic acid 222 with lysine.
Molecular consequence: missense variant. On other transcripts: intron variant (1).
Genome position (GRCh38, 1-based): chr20:32,429,999, G>A. VCF-style: chr20-32429999-G-A. GRCh37 (hg19) VCF-style: chr20-31017802-G-A.
Other names: c.535+568G>A (NM_001363734.1); short protein forms E222K.
Identifiers: ClinVar variation 433179 (VCV000433179.8), dbSNP rs780662350, ClinGen allele CA9808164.
Genomic context (GRCh38, chr20:32,429,999, plus strand): 5'-CCGTCCAGCAGCAGCAGCGGCTCTCTGGCCCTGGGCAGCGCTGCTATTCGTGGCCAGGCC[G>A]AGGTCACCCAGGACCCTGCCCCGCTCCTGAGAGGCTTCCGGAAGCCAGCCACAGGTGAGT-3'
Protein context (NP_056153.2, residues 212-232): LGSAAIRGQA[Glu222Lys]VTQDPAPLLR

ClinVar aggregate classification (germline): Uncertain significance. Review status: criteria provided, multiple submitters, no conflicts (2 of 4 stars). 3 submissions from 2 submitters: Uncertain significance (3). Last evaluated 2021-09-21.

Conditions:
Delayed speech and language development. Also called: Language delay. Identifiers: MedGen C0454644, HP:0000750.
Hypertonia. Identifiers: MedGen C0026826, HP:0001276.
Seizure. Also called: Seizures. Identifiers: MedGen C0036572, HP:0001250.
Moderate global developmental delay. Identifiers: MedGen C2237142, HP:0011343.
Floppy infant. Also called: Infantile muscular hypotonia. Identifiers: MedGen C1860834, HP:0008947.
Global developmental delay (DD). Also called: Cognitive delay. Identifiers: MedGen C0557874, HP:0001263. Disease mechanism: loss of function.

Allele frequency attached by ClinVar (database versions not stated): ExAC 0.00003; TOPMed 0.00005; gnomAD exomes 0.00002; gnomAD 0.00007.
gnomAD v4.1: 37 of 1,608,316 alleles (0.0023%); highest among the groups gnomAD compares: African/African-American, 0.008%; no homozygotes.

Submissions (3):

Labcorp Genetics (formerly Invitae), Labcorp
Classification: Uncertain significance. Last evaluated: 2021-09-21. Review status: criteria provided, single submitter. Criteria: Invitae Variant Classification Sherloc (09022015). Collection method: clinical testing. Allele origin: germline.
Comment: In summary, the available evidence is currently insufficient to determine the role of this variant in disease. Therefore, it has been classified as a Variant of Uncertain Significance. Algorithms developed to predict the effect of missense changes on protein structure and function are either unavailable or do not agree on the potential impact of this missense change (SIFT: "Tolerated"; PolyPhen-2: "Probably Damaging"; Align-GVGD: "Class C0"). ClinVar contains an entry for this variant (Variation ID: 433179). This variant has not been reported in the literature in individuals affected with ASXL1-related conditions. This variant is present in population databases (rs780662350, ExAC 0.01%). This sequence change replaces glutamic acid with lysine at codon 222 of the ASXL1 protein (p.Glu222Lys). The glutamic acid residue is moderately conserved and there is a small physicochemical difference between glutamic acid and lysine.

Center of Genomic medicine, Geneva, University Hospital of Geneva
Classification: Uncertain significance for Hypertonia; Moderate global developmental delay; Delayed speech and language development; Seizure. Last evaluated: 2017-05-22. Review status: criteria provided, single submitter. Criteria: ACMG Guidelines, 2015. Collection method: clinical testing. Allele origin: de novo. Affected: yes.

Center of Genomic medicine, Geneva, University Hospital of Geneva
Classification: Uncertain significance for Floppy infant; Global developmental delay. Last evaluated: 2017-05-22. Review status: criteria provided, single submitter. Criteria: ACMG Guidelines, 2015. Collection method: clinical testing. Allele origin: de novo. Affected: yes.